The following is an entry in ClinVar:

ClinVar aggregate classification (germline): Uncertain significance (1 of 4 stars; one submission).

Allele frequency attached by ClinVar (database versions not stated): gnomAD exomes below 0.00001; ExAC 0.00001; gnomAD 0.00001; TOPMed 0.00001.
gnomAD v4.1: 7 of 1,613,952 alleles (0.00043%); highest among the groups gnomAD compares: African/African-American, 0.0013%; no homozygotes.

Submission:

Labcorp Genetics (formerly Invitae), Labcorp
Classification: Uncertain significance. Last evaluated: 2022-03-08. Review status: criteria provided, single submitter. Criteria: Invitae Variant Classification Sherloc (09022015). Collection method: clinical testing. Allele origin: germline.
Comment: This sequence change replaces alanine, which is neutral and non-polar, with valine, which is neutral and non-polar, at codon 1339 of the MCM3AP protein (p.Ala1339Val). This variant is present in population databases (rs755768894, gnomAD 0.003%). This variant has not been reported in the literature in individuals affected with MCM3AP-related conditions. Algorithms developed to predict the effect of missense changes on protein structure and function output the following: SIFT: "Tolerated"; PolyPhen-2: "Benign"; Align-GVGD: "Class C0". The valine amino acid residue is found in multiple mammalian species, which suggests that this missense change does not adversely affect protein function. In summary, the available evidence is currently insufficient to determine the role of this variant in disease. Therefore, it has been classified as a Variant of Uncertain Significance.

NM_003906.5(MCM3AP):c.4016C>T (p.Ala1339Val)

Gene: MCM3AP (minichromosome maintenance complex component 3 associated protein; minus strand). Cytogenetic location: 21q22.3.
Variant type: single nucleotide variant.
Coding change: c.4016C>T on transcript NM_003906.5 (MANE Select); coding-DNA position 4016, C replaced by T.
Protein change: p.Ala1339Val; replaces alanine 1339 with valine.
Molecular consequence: missense variant.
Genome position (GRCh38, 1-based): chr21:46,254,512, G>A on the plus strand (C>T on the coding strand, the complement: MCM3AP is on the minus strand). VCF-style: chr21-46254512-G-A. GRCh37 (hg19) VCF-style: chr21-47674426-G-A.
Other names: short protein forms A1339V.
Identifiers: ClinVar variation 1926015 (VCV001926015.2), dbSNP rs755768894, ClinGen allele CA10076268.